The following is an entry in ClinVar:

NM_001270508.2(TNFAIP3):c.1112A>T (p.Asn371Ile)

Gene: TNFAIP3 (TNF alpha induced protein 3; plus strand). Cytogenetic location: 6q23.3.
Variant type: single nucleotide variant.
Coding change: c.1112A>T on transcript NM_001270508.2 (MANE Select); coding-DNA position 1112, A replaced by T.
Protein change: p.Asn371Ile; replaces asparagine 371 with isoleucine.
Molecular consequence: missense variant.
Genome position (GRCh38, 1-based): chr6:137,878,557, A>T. VCF-style: chr6-137878557-A-T. GRCh37 (hg19) VCF-style: chr6-138199694-A-T.
Other names: c.1112A>T, p.Asn371Ile (NM_001270507.2, NM_006290.4); short protein forms N371I.
Identifiers: ClinVar variation 3614994 (VCV003614994.2).

ClinVar aggregate classification (germline): Uncertain significance (1 of 4 stars; one submission).

Submission:

Labcorp Genetics (formerly Invitae), Labcorp
Classification: Uncertain significance. Last evaluated: 2024-04-16. Review status: criteria provided, single submitter. Criteria: Invitae Variant Classification Sherloc (09022015). Collection method: clinical testing. Allele origin: germline.
Comment: This sequence change replaces asparagine, which is neutral and polar, with isoleucine, which is neutral and non-polar, at codon 371 of the TNFAIP3 protein (p.Asn371Ile). This variant is not present in population databases (gnomAD no frequency). This variant has not been reported in the literature in individuals affected with TNFAIP3-related conditions. Advanced modeling of protein sequence and biophysical properties (such as structural, functional, and spatial information, amino acid conservation, physicochemical variation, residue mobility, and thermodynamic stability) performed at Invitae indicates that this missense variant is not expected to disrupt TNFAIP3 protein function with a negative predictive value of 80%. In summary, the available evidence is currently insufficient to determine the role of this variant in disease. Therefore, it has been classified as a Variant of Uncertain Significance.